The following is an entry in ClinVar:

ClinVar aggregate classification (germline): Likely benign. Review status: criteria provided, multiple submitters, no conflicts (2 of 4 stars). 6 submissions from 5 submitters: Likely benign (6). Last evaluated 2026-04-30.

Conditions:
ATR-related disorder. Also called: ATR-related condition.
Inborn genetic diseases. Identifiers: MedGen C0950123, MeSH D030342.
Seckel syndrome 1 (SCKL1). Also called: MICROCEPHALIC PRIMORDIAL DWARFISM I. Identifiers: Orphanet 808, MedGen C4551474, MONDO:0008869, OMIM 210600.
Familial cutaneous telangiectasia and oropharyngeal predisposition cancer syndrome. Identifiers: Orphanet 313846, MedGen C3281203, MONDO:0013806, OMIM 614564.

Allele frequency attached by ClinVar (database versions not stated): gnomAD exomes below 0.00001 and 0.00001; ExAC 0.00001; gnomAD 0.00001; TOPMed 0.00003.
gnomAD v4.1: 19 of 1,614,158 alleles (0.0012%); highest among the groups gnomAD compares: East Asian, 0.013%; 1 homozygote.

Submissions (6):

PreventionGenetics, part of Exact Sciences
Classification: Likely benign for ATR-related condition. Last evaluated: 2026-04-30. Review status: criteria provided, single submitter. Criteria: ACMG Guidelines, 2015. Collection method: clinical testing. Allele origin: germline.
Comment: This variant is classified as likely benign based on ACMG/AMP sequence variant interpretation guidelines (Richards et al. 2015 PMID: 25741868, with internal and published modifications).

Labcorp Genetics (formerly Invitae), Labcorp
Classification: Likely benign. Last evaluated: 2025-08-10. Review status: criteria provided, single submitter. Criteria: Invitae Variant Classification Sherloc (09022015). Collection method: clinical testing. Allele origin: germline.

Blueprint Genetics
Classification: Likely benign. Last evaluated: 2024-03-05. Review status: criteria provided, single submitter. Criteria: ACMG Guidelines, 2015. Collection method: clinical testing. Allele origin: germline.

Genome-Nilou Lab
Classification: Likely benign for Seckel syndrome 1. Last evaluated: 2023-02-08. Review status: criteria provided, single submitter. Criteria: ACMG Guidelines, 2015. Collection method: clinical testing. Allele origin: germline.

Genome-Nilou Lab
Classification: Likely benign for Familial cutaneous telangiectasia and oropharyngeal predisposition cancer syndrome. Last evaluated: 2023-02-08. Review status: criteria provided, single submitter. Criteria: ACMG Guidelines, 2015. Collection method: clinical testing. Allele origin: germline.

Ambry Genetics
Classification: Likely benign for Inborn genetic diseases. Last evaluated: 2022-02-12. Review status: criteria provided, single submitter. Criteria: Ambry Variant Classification Scheme 2023. Collection method: clinical testing. Allele origin: germline.

NM_001184.4(ATR):c.7800A>G (p.Gln2600=)

Gene: ATR (ATR checkpoint kinase; minus strand). Cytogenetic location: 3q23.
Variant type: single nucleotide variant.
Coding change: c.7800A>G on transcript NM_001184.4 (MANE Select); coding-DNA position 7800, A replaced by G.
Protein change: p.Gln2600=; no amino-acid change (glutamine 2600 retained).
Molecular consequence: synonymous variant.
Genome position (GRCh38, 1-based): chr3:142,449,564, T>C on the plus strand (A>G on the coding strand, the complement: ATR is on the minus strand). VCF-style: chr3-142449564-T-C. GRCh37 (hg19) VCF-style: chr3-142168406-T-C.
Other names: c.7608A>G, p.Gln2536= (NM_001354579.2).
Identifiers: ClinVar variation 698643 (VCV000698643.15), dbSNP rs746266532, ClinGen allele CA2649027.
Genomic context (GRCh38, chr3:142,449,564, plus strand): 5'-CACATGTCCTTCAATAGATAACGGCAGTCCTGTCACTCTATTTCGAGTCTTGATTACACC[T>C]TGTAGTCGCTGCTCAATGTCAAGAACATGGGTCTTGGCCTAAAAAGAAGAAACATAAAAC-3'
Protein context (NP_001175.2, residues 2590-2610): THVLDIEQRL[Gln2600=]GVIKTRNRVT